The following is an entry in ClinVar:

ClinVar aggregate classification (germline): Pathogenic. Review status: criteria provided, multiple submitters, no conflicts (2 of 4 stars). 3 submissions from 3 submitters: Pathogenic (2). 1 of the submissions does not count toward it. Last evaluated 2022-05-27.

Conditions:
Junctional epidermolysis bullosa gravis of Herlitz. Also called: Herlitz-type junctional epidermolysis bullosa; EPIDERMOLYSIS BULLOSA JUNCTIONALIS, HERLITZ TYPE; EPIDERMOLYSIS BULLOSA, JUNCTIONAL, HERLITZ-PEARSON TYPE; JEB-HERLITZ TYPE; EPIDERMOLYSIS BULLOSA, JUNCTIONAL 1B, SEVERE; Epidermolysis Bullosa Letalis. Identifiers: Orphanet 79404, MedGen C0079683, MONDO:0009182, OMIM 226700.

Submissions (3):

Labcorp Genetics (formerly Invitae), Labcorp
Classification: Pathogenic. Last evaluated: 2022-05-27. Review status: criteria provided, single submitter. Criteria: Invitae Variant Classification Sherloc (09022015). Collection method: clinical testing. Allele origin: germline.
Comment: This variant is not present in population databases (gnomAD no frequency). This sequence change creates a premature translational stop signal (p.Gly763Alafs*8) in the LAMB3 gene. It is expected to result in an absent or disrupted protein product. Loss-of-function variants in LAMB3 are known to be pathogenic (PMID: 11023379, 16473856). This variant has not been reported in the literature in individuals affected with LAMB3-related conditions. ClinVar contains an entry for this variant (Variation ID: 280743). For these reasons, this variant has been classified as Pathogenic.

GeneDx
Classification: Pathogenic. Last evaluated: 2019-05-02. Review status: criteria provided, single submitter. Criteria: GeneDx Variant Classification Process June 2021. Collection method: clinical testing. Allele origin: germline. Affected: yes.
Comment: Frameshift variant predicted to result in protein truncation or nonsense mediated decay in a gene for which loss-of-function is a known mechanism of disease; Not observed in large population cohorts (Lek et al., 2016); Has not been previously published as pathogenic or benign to our knowledge

Counsyl
Classification: Likely pathogenic for Junctional epidermolysis bullosa gravis of Herlitz. Last evaluated: 2017-02-28. Review status: no assertion criteria provided. Collection method: clinical testing. Allele origin: unknown. Not counted in ClinVar's aggregate classification.

Literature cited by the submitters: PubMed 11023379 (cited by Labcorp Genetics (formerly Invitae), Labcorp); PubMed 16473856 (cited by Labcorp Genetics (formerly Invitae), Labcorp).

NM_000228.3(LAMB3):c.2288del (p.Gly763fs)

Gene: LAMB3 (laminin subunit beta 3; minus strand). Cytogenetic location: 1q32.2.
Variant type: Deletion.
Coding change: c.2288del on transcript NM_000228.3 (MANE Select); coding-DNA position 2288, one base deleted (G; older notation c.2288delG).
Protein change: p.Gly763fs; shifts the reading frame from glycine 763.
Molecular consequence: frameshift variant.
Genome position (GRCh38, 1-based): chr1:209,623,575, C deleted on the plus strand (G on the coding strand, the reverse complement: LAMB3 is on the minus strand); the first of 2 consecutive C bases (chr1:209,623,575-209,623,576); deleting either gives the same sequence. VCF-style (leftmost placement, unchanged base first): chr1-209623574-GC-G. GRCh37 (hg19) VCF-style: chr1-209796919-GC-G.
Other names: c.2288del, p.Gly763fs (NM_001017402.2, NM_001127641.1); c.2288delG (NM_000228.2); short protein forms G763fs.
Identifiers: ClinVar variation 280743 (VCV000280743.10), dbSNP rs886041893, ClinGen allele CA10602753.